The following is an entry in ClinVar:

NM_002204.4(ITGA3):c.1589G>A (p.Arg530His)

Gene: ITGA3 (integrin subunit alpha 3; plus strand). Cytogenetic location: 17q21.33.
Variant type: single nucleotide variant.
Coding change: c.1589G>A on transcript NM_002204.4 (MANE Select); coding-DNA position 1589, G replaced by A.
Protein change: p.Arg530His; replaces arginine 530 with histidine.
Molecular consequence: missense variant.
Genome position (GRCh38, 1-based): chr17:50,075,650, G>A. VCF-style: chr17-50075650-G-A. GRCh37 (hg19) VCF-style: chr17-48153014-G-A.
Other names: short protein forms R530H.
Identifiers: ClinVar variation 4979240 (VCV004979240.1).

ClinVar aggregate classification (germline): Uncertain significance (1 of 4 stars; one submission).

Conditions:
ITGA3-related disorder. Also called: ITGA3-related condition.

gnomAD v4.1: 45 of 1,614,056 alleles (0.0028%); highest among the groups gnomAD compares: Middle Eastern, 0.016%; no homozygotes.

Submission:

PreventionGenetics, part of Exact Sciences
Classification: Uncertain significance for ITGA3-related condition. Last evaluated: 2026-06-17. Review status: criteria provided, single submitter. Criteria: ACMG Guidelines, 2015. Collection method: clinical testing. Allele origin: germline.
Comment: The ITGA3 c.1589G>A variant is predicted to result in the amino acid substitution p.Arg530His. To our knowledge, this variant has not been reported in the literature. This variant is reported in 0.0047% of alleles in individuals of European (Non-Finnish) descent in gnomAD. At this time, the clinical significance of this variant is uncertain due to the absence of conclusive functional and genetic evidence.